The following is an entry in ClinVar:

NM_000112.4(SLC26A2):c.764G>A (p.Gly255Glu)

Gene: SLC26A2 (solute carrier family 26 member 2; plus strand). Cytogenetic location: 5q32.
Variant type: single nucleotide variant.
Coding change: c.764G>A on transcript NM_000112.4 (MANE Select); coding-DNA position 764, G replaced by A.
Protein change: p.Gly255Glu; replaces glycine 255 with glutamic acid.
Molecular consequence: missense variant.
Genome position (GRCh38, 1-based): chr5:149,980,357, G>A. VCF-style: chr5-149980357-G-A. GRCh37 (hg19) VCF-style: chr5-149359920-G-A.
Other names: short protein forms G255E.
Identifiers: ClinVar variation 4090 (VCV000004090.6), dbSNP rs104893917, ClinGen allele CA252992.

ClinVar aggregate classification (germline): Conflicting classifications of pathogenicity. Review status: criteria provided, conflicting classifications (1 of 4 stars). 4 submissions from 4 submitters: Likely pathogenic (1); Uncertain significance (1). 2 of the submissions do not count toward it. Last evaluated 2023-04-06.

Conditions:
Osteochondrodysplasia. Identifiers: MedGen C0029422, MONDO:0005516.
Multiple epiphyseal dysplasia type 4 (EDM4). Also called: MULTIPLE EPIPHYSEAL DYSPLASIA WITH BILAYERED PATELLAE; MULTIPLE EPIPHYSEAL DYSPLASIA WITH CLUBFOOT; MULTIPLE EPIPHYSEAL DYSPLASIA, AUTOSOMAL RECESSIVE; SLC26A2-Related Multiple Epiphyseal Dysplasia; Multiple Epiphyseal Dysplasia, Recessive. Identifiers: Orphanet 93307, MedGen C1847593, MONDO:0009189, OMIM 226900.
Diastrophic dysplasia (DTD). Also called: Diastrophic dwarfism. Identifiers: Orphanet 628, MedGen C0220726, MONDO:0009107, OMIM 222600.
Atelosteogenesis type II (AO2). Also called: Neonatal osseous dysplasia 1; NEONATAL OSSEOUS DYSPLASIA I; SLC26A2-Related Atelosteogenesis. Identifiers: Orphanet 56304, MedGen C1850554, MONDO:0009727, OMIM 256050.
Achondrogenesis, type IB (ACG1B). Also called: Achondrogenesis Type 1B. Identifiers: Orphanet 932, Orphanet 93298, MedGen C0265274, MONDO:0010966, OMIM 600972.

Allele frequency attached by ClinVar (database versions not stated): gnomAD exomes below 0.00001; TOPMed 0.00004; gnomAD 0.00003.
gnomAD v4.1: 9 of 1,614,004 alleles (0.00056%); highest among the groups gnomAD compares: African/African-American, 0.012%; no homozygotes.

Submissions (4):

Women's Health and Genetics/Laboratory Corporation of America, LabCorp
Classification: Likely pathogenic for Osteochondrodysplasia. Last evaluated: 2023-04-06. Review status: criteria provided, single submitter. Criteria: LabCorp Variant Classification Summary - May 2015. Collection method: clinical testing. Allele origin: germline.
Comment: Variant summary: SLC26A2 c.764G>A (p.Gly255Glu) results in a non-conservative amino acid change to a highly conserved residue (HGMD) located in the SLC26A/SulP transporter domain (IPR011547) of the encoded protein sequence. Five of five in-silico tools predict a damaging effect of the variant on protein function. The variant was absent in 251356 control chromosomes. c.764G>A has been reported in the literature in an individual affected with Atelosteogenesis type II (Hastbacka_1996), and they were repoted as compound heterozygous with a variant that one ClinVar submitter has classified as pathogenic. These data suggest the variant may be associated with disease. At least one publication reports experimental evidence evaluating an impact on protein function, showing <10% of normal DTDST-mediated sulfate uptake in Xenopus oocytes injected with cRNA containing the variant. Two submitters have provided clinical-significance assessments for this variant to ClinVar after 2014, and classified the variant as uncertain significance. Based on the evidence outlined above, the variant was classified as likely pathogenic.

Labcorp Genetics (formerly Invitae), Labcorp
Classification: Uncertain significance for Atelosteogenesis type II; Multiple epiphyseal dysplasia type 4; Achondrogenesis, type IB; Diastrophic dysplasia. Last evaluated: 2022-07-05. Review status: criteria provided, single submitter. Criteria: Invitae Variant Classification Sherloc (09022015). Collection method: clinical testing. Allele origin: germline.
Comment: This sequence change replaces glycine, which is neutral and non-polar, with glutamic acid, which is acidic and polar, at codon 255 of the SLC26A2 protein (p.Gly255Glu). This variant is present in population databases (rs104893917, gnomAD 0.01%). This missense change has been observed in individual(s) with atelosteogenesis type II (PMID: 8571951). ClinVar contains an entry for this variant (Variation ID: 4090). Advanced modeling of protein sequence and biophysical properties (such as structural, functional, and spatial information, amino acid conservation, physicochemical variation, residue mobility, and thermodynamic stability) performed at Invitae indicates that this missense variant is expected to disrupt SLC26A2 protein function. Experimental studies have shown that this missense change affects SLC26A2 function (PMID: 11448940). In summary, the available evidence is currently insufficient to determine the role of this variant in disease. Therefore, it has been classified as a Variant of Uncertain Significance.

Counsyl
Classification: Uncertain significance for Multiple epiphyseal dysplasia type 4. Last evaluated: 2017-07-31. Review status: no assertion criteria provided. Collection method: clinical testing. Allele origin: unknown. Not counted in ClinVar's aggregate classification.

OMIM
Classification: Pathogenic for ATELOSTEOGENESIS, TYPE II. Last evaluated: 1996-02-01. Review status: no assertion criteria provided. Collection method: literature only. Allele origin: germline. Not counted in ClinVar's aggregate classification.

Literature cited by the submitters: PubMed 8571951 (cited by 4 submitters); PubMed 11448940 (cited by 3 submitters).